The following is an entry in ClinVar:

NM_024844.5(NUP85):c.1379G>A (p.Arg460Gln)

Gene: NUP85 (nucleoporin 85; plus strand). Cytogenetic location: 17q25.1.
Variant type: single nucleotide variant.
Coding change: c.1379G>A on transcript NM_024844.5 (MANE Select); coding-DNA position 1379, G replaced by A.
Protein change: p.Arg460Gln; replaces arginine 460 with glutamine.
Molecular consequence: missense variant.
Genome position (GRCh38, 1-based): chr17:75,231,962, G>A. VCF-style: chr17-75231962-G-A. GRCh37 (hg19) VCF-style: chr17-73228057-G-A.
Other names: c.1241G>A, p.Arg414Gln (NM_001303276.2); c.1244G>A, p.Arg415Gln (NM_001330472.2); short protein forms R414Q, R415Q, R460Q.
Identifiers: ClinVar variation 3769651 (VCV003769651.2), dbSNP rs1159700153.

ClinVar aggregate classification (germline): Likely pathogenic (1 of 4 stars; one submission).

Conditions:
Nephrotic syndrome, type 17. Identifiers: MedGen C4748545, MONDO:0032580, OMIM 618176.

gnomAD v4.1: 9 of 1,614,174 alleles (0.00056%); highest among the groups gnomAD compares: Admixed American, 0.0033%; no homozygotes.

Submission:

Nephrogenetics Laboratory, Hacettepe University
Classification: Likely pathogenic for Nephrotic syndrome, type 17. Last evaluated: 2025-02-10. Review status: criteria provided, single submitter. Criteria: ACMG Guidelines, 2015. Collection method: research. Allele origin: germline. Inheritance: Autosomal recessive inheritance. Affected: yes. Observed: 1 homozygote.
Comment: The NM_024844: c.1379G>A variant is a missense change in NUP85, predicted to result in the substitution of arginine with glutamine at the 460th amino acid position. This arginine residue is highly conserved across species, indicating its critical functional importance. In population databases, its minor allele frequency in gnomAD is <0.01%, with no reported homozygous individuals (PM2_Sup, gnomAD).In silico analyses provided mixed predictions: DANN (0.99), MutationTaster (deleterious), VARITY (likely damaging), and REVEL (0.77) suggested a pathogenic impact, while SIFT (0.028) and PrimateAI yielded uncertain or benign predictions. Overall, the majority consensus aligns with ClinGen guidelines, classifying the variant as possibly pathogenic. This classification is further supported by protein modeling and molecular dynamic (MD) simulations (PP3).ACMG Classification and Interpretation According to ACMG guidelines, the variant meets: PP3: Computational evidence supporting pathogenicity, PM2: Extremely low allele frequency in gnomAD with no homozygotes, PM3: Homozygous occurrence in a recessive disorder. Based on these criteria, the variant is currently classified as a variant of uncertain significance (VUS). However, its presence in a critical functional domain, as demonstrated by MD simulations, could fulfill PM1, potentially elevating its classification to “likely pathogenic.”

Literature cited by the submitters: PubMed 39949197.